The following is an entry in ClinVar:

NM_018993.4(RIN2):c.2673C>A (p.Asp891Glu)

Gene: RIN2 (Ras and Rab interactor 2; plus strand). Cytogenetic location: 20p11.23.
Variant type: single nucleotide variant.
Coding change: c.2673C>A on transcript NM_018993.4 (MANE Select); coding-DNA position 2673, C replaced by A.
Protein change: p.Asp891Glu; replaces aspartic acid 891 with glutamic acid.
Molecular consequence: missense variant.
Genome position (GRCh38, 1-based): chr20:20,000,921, C>A. VCF-style: chr20-20000921-C-A. GRCh37 (hg19) VCF-style: chr20-19981565-C-A.
Other names: c.2820C>A, p.Asp940Glu (NM_001242581.2); c.2055C>A, p.Asp685Glu (NM_001378238.1); short protein forms D685E, D891E, D940E.
Identifiers: ClinVar variation 1188756 (VCV001188756.7), dbSNP rs759973625, ClinGen allele CA312433450.

ClinVar aggregate classification (germline): Uncertain significance. Review status: criteria provided, multiple submitters, no conflicts (2 of 4 stars). 3 submissions from 3 submitters: Uncertain significance (3). Last evaluated 2025-10-21.

Conditions:
Inborn genetic diseases. Identifiers: MedGen C0950123, MeSH D030342.

Allele frequency attached by ClinVar (database versions not stated): gnomAD exomes 0.00003 and 0.00001; gnomAD 0.00011 and 0.00010; TOPMed 0.00023.
gnomAD v4.1: 57 of 1,610,314 alleles (0.0035%); highest among the groups gnomAD compares: Admixed American, 0.032%; no homozygotes.

Submissions (3):

Ambry Genetics
Classification: Uncertain significance for Inborn genetic diseases. Last evaluated: 2025-10-21. Review status: criteria provided, single submitter. Criteria: Ambry Variant Classification Scheme 2023. Collection method: clinical testing. Allele origin: germline.
Comment: The c.2673C>A (p.D891E) alteration is located in exon 11 (coding exon 11) of the RIN2 gene. This alteration results from a C to A substitution at nucleotide position 2673, causing the aspartic acid (D) at amino acid position 891 to be replaced by a glutamic acid (E). Based on data from gnomAD, the A allele has an overall frequency of 0.001% (2/246398) total alleles studied. The highest observed frequency was 0.002% (2/112180) of European (non-Finnish) alleles. Based on insufficient or conflicting evidence, the clinical significance of this alteration remains unclear.

Labcorp Genetics (formerly Invitae), Labcorp
Classification: Uncertain significance. Last evaluated: 2022-06-23. Review status: criteria provided, single submitter. Criteria: Invitae Variant Classification Sherloc (09022015). Collection method: clinical testing. Allele origin: germline.
Comment: This sequence change replaces aspartic acid, which is acidic and polar, with glutamic acid, which is acidic and polar, at codon 891 of the RIN2 protein (p.Asp891Glu). This variant is present in population databases (rs759973625, gnomAD 0.002%). This variant has not been reported in the literature in individuals affected with RIN2-related conditions. ClinVar contains an entry for this variant (Variation ID: 1188756). Algorithms developed to predict the effect of missense changes on protein structure and function output the following: SIFT: "Tolerated"; PolyPhen-2: "Not Available"; Align-GVGD: "Class C0". The glutamic acid amino acid residue is found in multiple mammalian species, which suggests that this missense change does not adversely affect protein function. In summary, the available evidence is currently insufficient to determine the role of this variant in disease. Therefore, it has been classified as a Variant of Uncertain Significance.

GeneDx
Classification: Uncertain significance. Last evaluated: 2019-12-06. Review status: criteria provided, single submitter. Criteria: GeneDx Variant Classification Process June 2021. Collection method: clinical testing. Allele origin: germline. Affected: yes.
Comment: Has not been previously published as pathogenic or benign to our knowledge; Not observed at a significant frequency in large population cohorts (Lek et al., 2016); In silico analysis, which includes protein predictors and evolutionary conservation, supports that this variant does not alter protein structure/function